The following is an entry in ClinVar:

NM_000016.6(ACADM):c.262A>T (p.Asn88Tyr)

Gene: ACADM (acyl-CoA dehydrogenase medium chain; plus strand). Cytogenetic location: 1p31.1.
Variant type: single nucleotide variant.
Coding change: c.262A>T on transcript NM_000016.6 (MANE Select); coding-DNA position 262, A replaced by T.
Protein change: p.Asn88Tyr; replaces asparagine 88 with tyrosine.
Molecular consequence: missense variant. On other transcripts: 5 prime UTR variant (1).
Genome position (GRCh38, 1-based): chr1:75,732,898, A>T. VCF-style: chr1-75732898-A-T. GRCh37 (hg19) VCF-style: chr1-76198583-A-T.
Other names: c.274A>T, p.Asn92Tyr (NM_001127328.3); c.154A>T, p.Asn52Tyr (NM_001286042.2); c.262A>T, p.Asn88Tyr (NM_001286043.2); c.-124A>T (NM_001286044.2); short protein forms N92Y, N88Y, N52Y.
Identifiers: ClinVar variation 841623 (VCV000841623.12), dbSNP rs1647171392, ClinGen allele CA340810106.

ClinVar aggregate classification (germline): Uncertain significance. Review status: criteria provided, single submitter (1 of 4 stars). 2 submissions from 2 submitters: Uncertain significance (1). 1 of the submissions does not count toward it. Last evaluated 2019-04-24.

Conditions:
Medium-chain acyl-coenzyme A dehydrogenase deficiency (ACADMD). Also called: MCADD; MCAD Deficiency; ACADM DEFICIENCY; Medium chain acyl-CoA dehydrogenase deficiency; MCADH DEFICIENCY; CARNITINE DEFICIENCY SECONDARY TO MEDIUM-CHAIN ACYL-CoA DEHYDROGENASE DEFICIENCY. Identifiers: Orphanet 42, MedGen C0220710, MONDO:0008721, OMIM 201450.

Submissions (2):

Labcorp Genetics (formerly Invitae), Labcorp
Classification: Uncertain significance for Medium-chain acyl-coenzyme A dehydrogenase deficiency. Last evaluated: 2019-04-24. Review status: criteria provided, single submitter. Criteria: Invitae Variant Classification Sherloc (09022015). Collection method: clinical testing. Allele origin: germline.
Comment: This variant has not been reported in the literature in individuals with ACADM-related conditions. This variant is not present in population databases (ExAC no frequency). This sequence change replaces asparagine with tyrosine at codon 88 of the ACADM protein (p.Asn88Tyr). The asparagine residue is highly conserved and there is a large physicochemical difference between asparagine and tyrosine. In summary, the available evidence is currently insufficient to determine the role of this variant in disease. Therefore, it has been classified as a Variant of Uncertain Significance. Algorithms developed to predict the effect of missense changes on protein structure and function (SIFT, PolyPhen-2, Align-GVGD) all suggest that this variant is likely to be disruptive, but these predictions have not been confirmed by published functional studies and their clinical significance is uncertain.

Natera, Inc.
Classification: Uncertain significance for Medium Chain Acyl-CoA Dehydrogenase Deficiency. Last evaluated: 2019-02-26. Review status: no assertion criteria provided. Collection method: clinical testing. Allele origin: germline. Not counted in ClinVar's aggregate classification.